The following is an entry in ClinVar:

ClinVar aggregate classification (germline): Conflicting classifications of pathogenicity. Review status: criteria provided, conflicting classifications (1 of 4 stars). 3 submissions from 3 submitters: Uncertain significance (1); Likely benign (2). Last evaluated 2026-01-29.

Conditions:
LAMA2-related muscular dystrophy (LAMA2-RD). Also called: Laminin alpha 2-related dystrophy. Identifiers: MedGen C5679788, MONDO:0100228.

Allele frequency attached by ClinVar (database versions not stated): ExAC 0.00008; gnomAD 0.00009 and 0.00010; gnomAD exomes 0.00009 and 0.00010; TOPMed 0.00015; 1000 Genomes Project 30x 0.00016; 1000 Genomes Project 0.00020; ESP Exome Variant Server 0.00023.
gnomAD v4.1: 142 of 1,613,870 alleles (0.0088%); highest among the groups gnomAD compares: Admixed American, 0.023%; no homozygotes.

Submissions (3):

Labcorp Genetics (formerly Invitae), Labcorp
Classification: Likely benign for LAMA2-related muscular dystrophy. Last evaluated: 2026-01-29. Review status: criteria provided, single submitter. Criteria: Invitae Variant Classification Sherloc (09022015). Collection method: clinical testing. Allele origin: germline.

Revvity Omics, Revvity
Classification: Uncertain significance. Last evaluated: 2023-09-13. Review status: criteria provided, single submitter. Criteria: ACMG Guidelines, 2015. Collection method: clinical testing. Allele origin: germline.

GeneDx
Classification: Likely benign. Last evaluated: 2017-06-16. Review status: criteria provided, single submitter. Criteria: GeneDx Variant Classification (06012015). Collection method: clinical testing. Allele origin: germline. Affected: yes.
Comment: This variant is considered likely benign or benign based on one or more of the following criteria: it is a conservative change, it occurs at a poorly conserved position in the protein, it is predicted to be benign by multiple in silico algorithms, and/or has population frequency not consistent with disease.

NM_000426.4(LAMA2):c.5317C>T (p.Arg1773Trp)

Gene: LAMA2 (laminin subunit alpha 2; plus strand). Cytogenetic location: 6q22.33.
Variant type: single nucleotide variant.
Coding change: c.5317C>T on transcript NM_000426.4 (MANE Select); coding-DNA position 5317, C replaced by T.
Protein change: p.Arg1773Trp; replaces arginine 1773 with tryptophan.
Molecular consequence: missense variant.
Genome position (GRCh38, 1-based): chr6:129,393,127, C>T. VCF-style: chr6-129393127-C-T. GRCh37 (hg19) VCF-style: chr6-129714272-C-T.
Other names: c.5317C>T, p.Arg1773Trp (NM_001079823.2); short protein forms R1773W.
Identifiers: ClinVar variation 516965 (VCV000516965.9), dbSNP rs138695453, ClinGen allele CA3993845.